The following is an entry in ClinVar:

ClinVar aggregate classification (germline): Benign/Likely benign. Review status: criteria provided, multiple submitters, no conflicts (2 of 4 stars). 8 submissions from 8 submitters: Benign (2); Likely benign (4). 2 of the submissions do not count toward it. Last evaluated 2026-08-01.

Conditions:
Parkinsonism-dystonia, infantile. Identifiers: Orphanet 238455, MedGen C2751067, MONDO:0013150.
Classic dopamine transporter deficiency syndrome (PKDYS1). Also called: Parkinsonism-dystonia, infantile, 1; DOPAMINE TRANSPORTER DEFICIENCY SYNDROME. Identifiers: Orphanet 238455, MedGen C5700336, MONDO:0054835, OMIM 613135.

Allele frequency attached by ClinVar (database versions not stated): 1000 Genomes Project 30x 0.00141; TOPMed 0.00150; 1000 Genomes Project 0.00180; ESP Exome Variant Server 0.00254; gnomAD exomes 0.00365 and 0.00449; gnomAD 0.00384 and 0.00396; ExAC 0.00402.
gnomAD v4.1: 5,867 of 1,614,252 alleles (0.36%); highest among the groups gnomAD compares: Non-Finnish European, 0.31%; 48 homozygotes.

Submissions (8):

CeGaT Center for Human Genetics Tuebingen
Classification: Likely benign. Last evaluated: 2026-08-01. Review status: criteria provided, single submitter. Criteria: CeGaT Center For Human Genetics Tuebingen Variant Classification Criteria Version 2. Collection method: clinical testing. Allele origin: germline. Affected: yes. Observed: 16 variant alleles.
Comment: SLC6A3: BP4, BS2

Labcorp Genetics (formerly Invitae), Labcorp
Classification: Benign for Parkinsonism-dystonia, infantile. Last evaluated: 2026-01-12. Review status: criteria provided, single submitter. Criteria: Invitae Variant Classification Sherloc (09022015). Collection method: clinical testing. Allele origin: germline.

Mayo Clinic Laboratories, Mayo Clinic
Classification: Benign. Last evaluated: 2023-06-16. Review status: criteria provided, single submitter. Criteria: ACMG Guidelines, 2015. Collection method: clinical testing. Allele origin: germline. Observed: 4 variant alleles.
Comment: BA1, BP4, BP7

GeneDx
Classification: Likely benign. Last evaluated: 2021-06-16. Review status: criteria provided, single submitter. Criteria: GeneDx Variant Classification Process June 2021. Collection method: clinical testing. Allele origin: germline. Affected: yes.

Clinical Genetics DNA and cytogenetics Diagnostics Lab, Erasmus MC, Erasmus Medical Center
Classification: Likely benign for Classic dopamine transporter deficiency syndrome. Last evaluated: 2017-06-28. Review status: criteria provided, single submitter. Criteria: ACGS Guidelines, 2013. Collection method: clinical testing. Allele origin: germline. Affected: yes. Study: VKGL Data-share Consensus.

Breakthrough Genomics
Classification: Likely benign. Review status: criteria provided, single submitter. Criteria: ACMG Guidelines, 2015. Collection method: not provided. Allele origin: germline. Inheritance: Autosomal recessive inheritance. Affected: yes.

Genome Diagnostics Laboratory, Amsterdam University Medical Center
Classification: Likely benign for Classic dopamine transporter deficiency syndrome. Last evaluated: 2015-04-19. Review status: no assertion criteria provided. Criteria: ACGS Guidelines, 2013. Collection method: clinical testing. Allele origin: germline. Affected: yes. Study: VKGL Data-share Consensus. Not counted in ClinVar's aggregate classification.

Diagnostic Laboratory, Department of Genetics, University Medical Center Groningen
Classification: Likely benign for Classic dopamine transporter deficiency syndrome. Review status: no assertion criteria provided. Collection method: clinical testing. Allele origin: germline. Affected: yes. Study: VKGL Data-share Consensus. Not counted in ClinVar's aggregate classification.

NM_001044.5(SLC6A3):c.546C>T (p.Asn182=)

Gene: SLC6A3 (solute carrier family 6 member 3). Cytogenetic location: 5p15.33.
Variant type: single nucleotide variant.
Coding change: c.546C>T on transcript NM_001044.5 (MANE Select); coding-DNA position 546, C replaced by T.
Protein change: p.Asn182=; no amino-acid change (asparagine 182 retained).
Molecular consequence: synonymous variant.
Genome position (GRCh38, 1-based): chr5:1,432,571, G>A on the plus strand (C>T on the coding strand, the complement: SLC6A3 is on the minus strand). VCF-style: chr5-1432571-G-A. GRCh37 (hg19) VCF-style: chr5-1432686-G-A.
Other names: p.Asn182=.
Identifiers: ClinVar variation 470639 (VCV000470639.42), dbSNP rs28364996, ClinGen allele CA3186346.
Genomic context (GRCh38, chr5:1,432,571, plus strand): 5'-CGAGCTGTCTCCACTGGAGTCACCAGGATGGGCATCCGAGCAGTTGGGGCTGTTCCAGGA[G>A]TTGTTGCAGTGGATCCAGGGGAGCTCCGTGGTGAAGGAGGAGAAGAGATAGTGCAGCGCC-3'
Protein context (NP_001035.1, residues 172-192): TTELPWIHCN[Asn182=]SWNSPNCSDA